The following is an entry in ClinVar:

ClinVar aggregate classification (germline): Pathogenic (1 of 4 stars; one submission).

Conditions:
Primary ciliary dyskinesia 3. Identifiers: Orphanet 244, MedGen C1837618, MONDO:0012085, OMIM 608644.

Submission:

Myriad Genetics, Inc.
Classification: Pathogenic for Primary ciliary dyskinesia 3. Last evaluated: 2024-05-14. Review status: criteria provided, single submitter. Criteria: Myriad Autosomal Dominant, Autosomal Recessive and X-Linked Classification Criteria (2023). Collection method: clinical testing. Allele origin: unknown.
Comment: NM_001369.2(DNAH5):c.11187_11188ins8(R3730Ffs*20) is expected to be pathogenic in the context of primary ciliary dyskinesia, DNAH5-related. This variant is predicted to lead to an abnormal or absent protein product due to the creation of a premature termination codon in DNAH5, a gene where loss-of-function variants are known to be pathogenic. Please note: this variant was assessed in the context of healthy population screening.

NM_001369.3(DNAH5):c.11187_11188insTTCATTTT (p.Arg3730fs)

Gene: DNAH5 (dynein axonemal heavy chain 5; minus strand). Cytogenetic location: 5p15.2.
Variant type: Insertion.
Coding change: c.11187_11188insTTCATTTT on transcript NM_001369.3 (MANE Select); coding-DNA positions 11187 to 11188, TTCATTTT inserted.
Protein change: p.Arg3730fs; shifts the reading frame from arginine 3730.
Molecular consequence: frameshift variant.
Genome position: GRCh38 VCF-style: chr5-13751101-T-TAAAATGAA. GRCh37 (hg19) VCF-style: chr5-13751210-T-TAAAATGAA.
Other names: short protein forms R3730fs.
Identifiers: ClinVar variation 5010648 (VCV005010648.1).